The following is an entry in ClinVar:

NM_053025.4(MYLK):c.898C>T (p.Pro300Ser)

Gene: MYLK (myosin light chain kinase; minus strand). Cytogenetic location: 3q21.1.
Variant type: single nucleotide variant.
Coding change: c.898C>T on transcript NM_053025.4 (MANE Select); coding-DNA position 898, C replaced by T.
Protein change: p.Pro300Ser; replaces proline 300 with serine.
Molecular consequence: missense variant.
Genome position (GRCh38, 1-based): chr3:123,734,098, G>A on the plus strand (C>T on the coding strand, the complement: MYLK is on the minus strand). VCF-style: chr3-123734098-G-A. GRCh37 (hg19) VCF-style: chr3-123452945-G-A.
Other names: c.370C>T, p.Pro124Ser (NM_001321309.2); c.898C>T, p.Pro300Ser (NM_053026.4, NM_053027.4, NM_053028.4); short protein forms P300S, P124S.
Identifiers: ClinVar variation 3401074 (VCV003401074.1).
Genomic context (GRCh38, chr3:123,734,098, plus strand): 5'-ACTCCCTTGGGGGCTGAGGCTGGCTGTTTGCAGCCCAGGGTGGGGAGCCACCTCTCTGGG[G>A]GCTGGAGCAGTTCTTGCTTTTGGCTGCAGCCTCCAGACTGTCCAGCTTCGACTCCTTTGA-3'
Protein context (NP_444253.3, residues 290-310): AAAKSKNCSS[Pro300Ser]QRGGSPPWAA

ClinVar aggregate classification (germline): Uncertain significance (1 of 4 stars; one submission).

Conditions:
Familial thoracic aortic aneurysm and aortic dissection (TAAD). Also called: Thoracic aortic aneurysms and dissections. Identifiers: Orphanet 91387, MedGen C4707243, MONDO:0019625.

gnomAD v4.1: 3 of 1,608,814 alleles (0.00019%); highest among the groups gnomAD compares: African/African-American, 0.0027%; no homozygotes.

Submission:

Ambry Genetics
Classification: Uncertain significance for Familial thoracic aortic aneurysm and aortic dissection. Last evaluated: 2024-10-19. Review status: criteria provided, single submitter. Criteria: Ambry Variant Classification Scheme 2023. Collection method: clinical testing. Allele origin: germline.
Comment: The p.P300S variant (also known as c.898C>T), located in coding exon 7 of the MYLK gene, results from a C to T substitution at nucleotide position 898. The proline at codon 300 is replaced by serine, an amino acid with similar properties. This amino acid position is conserved. In addition, this alteration is predicted to be tolerated by in silico analysis. Based on the available evidence, the clinical significance of this variant remains unclear.